The following is an entry in ClinVar:

ClinVar aggregate classification (germline): Uncertain significance (1 of 4 stars; one submission).

Submission:

Ambry Genetics
Classification: Uncertain significance. Last evaluated: 2025-11-08. Review status: criteria provided, single submitter. Criteria: Ambry Variant Classification Scheme 2023. Collection method: clinical testing. Allele origin: germline.
Comment: The p.K114T variant (also known as c.341A>C), located in coding exon 4 of the RAD51B gene, results from an A to C substitution at nucleotide position 341. The lysine at codon 114 is replaced by threonine, an amino acid with similar properties. This amino acid position is conserved. In addition, this alteration is predicted to be deleterious by in silico analysis. Based on the available evidence, the clinical significance of this variant remains unclear.

NM_133510.4(RAD51B):c.341A>C (p.Lys114Thr)

Gene: RAD51B (RAD51 paralog B; plus strand). Cytogenetic location: 14q24.1.
Variant type: single nucleotide variant.
Coding change: c.341A>C on transcript NM_133510.4 (MANE Select); coding-DNA position 341, A replaced by C.
Protein change: p.Lys114Thr; replaces lysine 114 with threonine.
Molecular consequence: missense variant. On other transcripts: 5 prime UTR variant (1).
Genome position (GRCh38, 1-based): chr14:67,865,028, A>C. VCF-style: chr14-67865028-A-C. GRCh37 (hg19) VCF-style: chr14-68331745-A-C.
Other names: c.341A>C, p.Lys114Thr (NM_001321809.2, NM_001321810.2, NM_001321812.1 and 6 more transcripts); c.227A>C, p.Lys76Thr (NM_001321815.1); c.-17A>C (NM_001321817.2); short protein forms K76T, K114T.
Identifiers: ClinVar variation 4575312 (VCV004575312.1).